The following is an entry in ClinVar:

NM_001033855.3(DCLRE1C):c.1363_1383del (p.Ser455_Glu461del)

Gene: DCLRE1C (DNA cross-link repair 1C; minus strand). Cytogenetic location: 10p13.
Variant type: Deletion.
Coding change: c.1363_1383del on transcript NM_001033855.3 (MANE Select); coding-DNA positions 1363 to 1383, 21 bases deleted (TCCAACAGTGAAAGTGAAGAA).
Protein change: p.Ser455_Glu461del.
Molecular consequence: inframe deletion. On other transcripts: non-coding transcript variant (4).
Genome position (GRCh38, 1-based): chr10:14,909,104-14,909,124, TTCTTCACTTTCACTGTTGGA deleted on the plus strand (TCCAACAGTGAAAGTGAAGAA on the coding strand, the reverse complement: DCLRE1C is on the minus strand); deleting any 21 consecutive bases within chr10:14,909,104-14,909,132 gives the same sequence; the c. name uses the placement nearest the transcript's 3' end. VCF-style (leftmost placement, unchanged base first): chr10-14909103-CTTCTTCACTTTCACTGTTGGA-C. GRCh37 (hg19) VCF-style: chr10-14951102-CTTCTTCACTTTCACTGTTGGA-C.
Other names: c.1003_1023del, p.Ser335_Glu341del (NM_001033857.3, NM_001033858.3, NM_001289077.2 and 2 more transcripts); c.1018_1038del, p.Ser340_Glu346del (NM_001289076.2, NM_001289078.2, NM_001350966.2 and 1 more transcripts); c.1363_1383del, p.Ser455_Glu461del (NM_001350965.2).
Identifiers: ClinVar variation 2894466 (VCV002894466.3), dbSNP rs1834812856, ClinGen allele CA1892357175.
Genomic context (GRCh38, chr10:14,909,103, plus strand): 5'-CCTTTTGCAGGTGAAGTACAGAGCCCAGATCTCCTTGCAGTGAAGCTGGGATTCCTACTT[CTTCTTCACTTTCACTGTTGGA>C]TTCTTCACAATCTACAAAGTTTGTGAAACGAGAGCTCTGCATACACTCTGCTCTGCAGCA-3'

ClinVar aggregate classification (germline): Uncertain significance (1 of 4 stars; one submission).

Conditions:
Severe combined immunodeficiency due to DCLRE1C deficiency (RS-SCID). Also called: SCID, AUTOSOMAL RECESSIVE, T CELL-NEGATIVE, B CELL-NEGATIVE, NK CELL-POSITIVE, WITH SENSITIVITY TO IONIZING RADIATION. Identifiers: Orphanet 275, MedGen C1865371, MONDO:0011225, OMIM 602450.

Submission:

Labcorp Genetics (formerly Invitae), Labcorp
Classification: Uncertain significance for Athabaskan severe combined immunodeficiency. Last evaluated: 2025-05-27. Review status: criteria provided, single submitter. Criteria: Invitae Variant Classification Sherloc (09022015). Collection method: clinical testing. Allele origin: germline.
Comment: This variant, c.1363_1383del, results in the deletion of 7 amino acid(s) of the DCLRE1C protein (p.Ser455_Glu461del), but otherwise preserves the integrity of the reading frame. This variant is not present in population databases (gnomAD no frequency). This variant has not been reported in the literature in individuals affected with DCLRE1C-related conditions. ClinVar contains an entry for this variant (Variation ID: 2894466). Experimental studies and prediction algorithms are not available or were not evaluated, and the functional significance of this variant is currently unknown. In summary, the available evidence is currently insufficient to determine the role of this variant in disease. Therefore, it has been classified as a Variant of Uncertain Significance.